The following is an entry in ClinVar:

NM_002734.5(PRKAR1A):c.1001C>T (p.Pro334Leu)

Gene: PRKAR1A (protein kinase cAMP-dependent type I regulatory subunit alpha; plus strand). Cytogenetic location: 17q24.2.
Variant type: single nucleotide variant.
Coding change: c.1001C>T on transcript NM_002734.5 (MANE Select); coding-DNA position 1001, C replaced by T.
Protein change: p.Pro334Leu; replaces proline 334 with leucine.
Molecular consequence: missense variant. On other transcripts: intron variant (1).
Genome position (GRCh38, 1-based): chr17:68,530,304, C>T. VCF-style: chr17-68530304-C-T. GRCh37 (hg19) VCF-style: chr17-66526445-C-T.
Other names: c.1001C>T, p.Pro334Leu (NM_001276289.2, NM_001278433.2, NM_001369389.1 and 3 more transcripts); c.973+303C>T (NM_001276290.1); c.1001C>T (NM_002734.3); short protein forms P334L.
Identifiers: ClinVar variation 1366120 (VCV001366120.9), dbSNP rs2143389774, ClinGen allele CA400754490.

ClinVar aggregate classification (germline): Uncertain significance. Review status: criteria provided, multiple submitters, no conflicts (2 of 4 stars). 2 submissions from 2 submitters: Uncertain significance (2). Last evaluated 2025-08-08.

Conditions:
Hereditary cancer-predisposing syndrome. Also called: Neoplastic Syndromes, Hereditary; Tumor predisposition; Hereditary neoplastic syndrome; Hereditary Cancer Syndrome. Identifiers: Orphanet 140162, MedGen C0027672, MeSH D009386, MONDO:0015356.
Carney complex, type 1 (CNC1). Also called: CARNEY COMPLEX, TYPE I; CARNEY MYXOMA-ENDOCRINE COMPLEX. Identifiers: Orphanet 1359, MedGen C2607929, MONDO:0008057, OMIM 160980.

Submissions (2):

Ambry Genetics
Classification: Uncertain significance for Hereditary cancer-predisposing syndrome. Last evaluated: 2025-08-08. Review status: criteria provided, single submitter. Criteria: Ambry Variant Classification Scheme 2023. Collection method: clinical testing. Allele origin: germline.
Comment: The p.P334L variant (also known as c.1001C>T), located in coding exon 10 of the PRKAR1A gene, results from a C to T substitution at nucleotide position 1001. The proline at codon 334 is replaced by leucine, an amino acid with similar properties. This amino acid position is conserved. In addition, this alteration is predicted to be deleterious by in silico analysis. Based on the available evidence, the clinical significance of this variant remains unclear.

Labcorp Genetics (formerly Invitae), Labcorp
Classification: Uncertain significance for Carney complex, type 1. Last evaluated: 2025-01-16. Review status: criteria provided, single submitter. Criteria: Invitae Variant Classification Sherloc (09022015). Collection method: clinical testing. Allele origin: germline.
Comment: This sequence change replaces proline, which is neutral and non-polar, with leucine, which is neutral and non-polar, at codon 334 of the PRKAR1A protein (p.Pro334Leu). This variant is not present in population databases (gnomAD no frequency). This variant has not been reported in the literature in individuals affected with PRKAR1A-related conditions. ClinVar contains an entry for this variant (Variation ID: 1366120). Invitae Evidence Modeling of protein sequence and biophysical properties (such as structural, functional, and spatial information, amino acid conservation, physicochemical variation, residue mobility, and thermodynamic stability) has been performed for this missense variant. However, the output from this modeling did not meet the statistical confidence thresholds required to predict the impact of this variant on PRKAR1A protein function. In summary, the available evidence is currently insufficient to determine the role of this variant in disease. Therefore, it has been classified as a Variant of Uncertain Significance.